The following is an entry in ClinVar:

NM_001378454.1(ALMS1):c.9446A>G (p.Asn3149Ser)

Gene: ALMS1 (ALMS1 centrosome and basal body associated protein; plus strand). Cytogenetic location: 2p13.1.
Variant type: single nucleotide variant.
Coding change: c.9446A>G on transcript NM_001378454.1 (MANE Select); coding-DNA position 9446, A replaced by G.
Protein change: p.Asn3149Ser; replaces asparagine 3149 with serine.
Molecular consequence: missense variant.
Genome position (GRCh38, 1-based): chr2:73,491,405, A>G. VCF-style: chr2-73491405-A-G. GRCh37 (hg19) VCF-style: chr2-73718532-A-G.
Other names: c.9449A>G, p.Asn3150Ser (NM_015120.4); short protein forms N3149S, N3150S.
Identifiers: ClinVar variation 3344757 (VCV003344757.1).
Genomic context (GRCh38, chr2:73,491,405, plus strand): 5'-AGCCTTCTCTTCCAGACAGTAACACTATTACTCAGGACTTGAAAACCATACCTTCTCAGA[A>G]TAGCCAGATAGTAACCTCCAGGCAAATACAAGTGAACATTTCAGATTTCGAAGGACATTC-3'
Protein context (NP_001365383.1, residues 3139-3159): TQDLKTIPSQ[Asn3149Ser]SQIVTSRQIQ

ClinVar aggregate classification (germline): Uncertain significance (0 of 4 stars; one submission).

Conditions:
ALMS1-related disorder. Also called: ALMS1-related condition.

Submission:

PreventionGenetics, part of Exact Sciences
Classification: Uncertain significance for ALMS1-related condition. Last evaluated: 2024-06-06. Review status: no assertion criteria provided. Collection method: clinical testing. Allele origin: germline.
Comment: The ALMS1 c.9449A>G variant is predicted to result in the amino acid substitution p.Gln3150Arg. To our knowledge, this variant has not been reported in the literature or in a large population database, indicating this variant is rare. At this time, the clinical significance of this variant is uncertain due to the absence of conclusive functional and genetic evidence.